The following is an entry in ClinVar:

NM_001386795.1(DTNA):c.433A>T (p.Met145Leu)

Gene: DTNA (dystrobrevin alpha; plus strand). Cytogenetic location: 18q12.1.
Variant type: single nucleotide variant.
Coding change: c.433A>T on transcript NM_001386795.1 (MANE Select); coding-DNA position 433, A replaced by T.
Protein change: p.Met145Leu; replaces methionine 145 with leucine.
Molecular consequence: missense variant.
Genome position (GRCh38, 1-based): chr18:34,806,289, A>T. VCF-style: chr18-34806289-A-T. GRCh37 (hg19) VCF-style: chr18-32386253-A-T.
Other names: c.433A>T, p.Met145Leu (NM_001128175.2, NM_001198938.2, NM_001198939.2 and 35 more transcripts); short protein forms M145L.
Identifiers: ClinVar variation 943819 (VCV000943819.9), dbSNP rs982526159, ClinGen allele CA298589323.

ClinVar aggregate classification (germline): Uncertain significance (1 of 4 stars; one submission).

Conditions:
Left ventricular noncompaction 1 (LVNC1). Also called: LEFT VENTRICULAR NONCOMPACTION 1 WITH OR WITHOUT CONGENITAL HEART DEFECTS. Identifiers: Orphanet 54260, MedGen C1858725, MONDO:0011403, OMIM 604169.

Submission:

Labcorp Genetics (formerly Invitae), Labcorp
Classification: Uncertain significance for Left ventricular noncompaction 1. Last evaluated: 2025-02-13. Review status: criteria provided, single submitter. Criteria: Invitae Variant Classification Sherloc (09022015). Collection method: clinical testing. Allele origin: germline.
Comment: This sequence change replaces methionine, which is neutral and non-polar, with leucine, which is neutral and non-polar, at codon 145 of the DTNA protein (p.Met145Leu). This variant is not present in population databases (gnomAD no frequency). This variant has not been reported in the literature in individuals affected with DTNA-related conditions. ClinVar contains an entry for this variant (Variation ID: 943819). Invitae Evidence Modeling of protein sequence and biophysical properties (such as structural, functional, and spatial information, amino acid conservation, physicochemical variation, residue mobility, and thermodynamic stability) indicates that this missense variant is not expected to disrupt DTNA protein function with a negative predictive value of 80%. In summary, the available evidence is currently insufficient to determine the role of this variant in disease. Therefore, it has been classified as a Variant of Uncertain Significance.